The following is an entry in ClinVar:

NM_000100.4(CSTB):c.193G>A (p.Val65Ile)

Gene: CSTB (cystatin B; minus strand). Cytogenetic location: 21q22.3.
Variant type: single nucleotide variant.
Coding change: c.193G>A on transcript NM_000100.4 (MANE Select); coding-DNA position 193, G replaced by A.
Protein change: p.Val65Ile; replaces valine 65 with isoleucine.
Molecular consequence: missense variant.
Genome position (GRCh38, 1-based): chr21:43,774,306, C>T on the plus strand (G>A on the coding strand, the complement: CSTB is on the minus strand). VCF-style: chr21-43774306-C-T. GRCh37 (hg19) VCF-style: chr21-45194187-C-T.
Other names: p.V65I:GTA>ATA; short protein forms V65I.
Identifiers: ClinVar variation 205323 (VCV000205323.12), dbSNP rs570768038, ClinGen allele CA314279.
Genomic context (GRCh38, chr21:43,774,306, plus strand): 5'-AGTTAGATAAGGTCAAGGGCTTGTTTTCATGAGGGAGAGATTGGAACACTCGCAGGTGTA[C>T]GAAGTCCTCGTCGCCGACGTGCACCTGGGAAGAGAGCGGAGTGAGCGAAGCCTCTGATCC-3'
Protein context (NP_000091.1, residues 55-75): IKVHVGDEDF[Val65Ile]HLRVFQSLPH

ClinVar aggregate classification (germline): Conflicting classifications of pathogenicity. Review status: criteria provided, conflicting classifications (1 of 4 stars). 3 submissions from 3 submitters: Uncertain significance (2); Likely benign (1). Last evaluated 2021-08-30.

Conditions:
Progressive myoclonic epilepsy. Also called: Familial progressive myoclonic epilepsy; Myoclonus epilepsy; Progressive myoclonus epilepsy; Myoclonic Epilepsies, Progressive. Identifiers: Orphanet 308, Orphanet 98261, MedGen C0751778, MONDO:0020074.
Unverricht-Lundborg syndrome. Also called: EPILEPSY, PROGRESSIVE MYOCLONIC, 1A; Myoclonus progressive epilepsy of Unverricht and Lundborg; Epilepsy, progressive myoclonic 1A (Unverricht and Lundborg); Unverricht-Lundborg Disease; Progressive myoclonus epilepsy baltic myoclonic epilepsy; Myoclonic epilepsy of unverricht and lundborg. Identifiers: Orphanet 308, MedGen C0751785, MONDO:0009698, OMIM 254800.

Allele frequency attached by ClinVar (database versions not stated): TOPMed 0.00005; ExAC 0.00008; 1000 Genomes Project 0.00020; 1000 Genomes Project 30x 0.00047.
gnomAD v4.1: 79 of 1,614,170 alleles (0.0049%); highest among the groups gnomAD compares: South Asian, 0.047%; 1 homozygote.

Submissions (3):

Labcorp Genetics (formerly Invitae), Labcorp
Classification: Uncertain significance for Progressive myoclonic epilepsy. Last evaluated: 2021-08-30. Review status: criteria provided, single submitter. Criteria: Invitae Variant Classification Sherloc (09022015). Collection method: clinical testing. Allele origin: germline.
Comment: This sequence change replaces valine with isoleucine at codon 65 of the CSTB protein (p.Val65Ile). The valine residue is moderately conserved and there is a small physicochemical difference between valine and isoleucine. This variant is present in population databases (rs570768038, ExAC 0.05%). This variant has not been reported in the literature in individuals affected with CSTB-related conditions. ClinVar contains an entry for this variant (Variation ID: 205323). Algorithms developed to predict the effect of missense changes on protein structure and function output the following: SIFT: "Tolerated"; PolyPhen-2: "Benign"; Align-GVGD: "Class C0". The isoleucine amino acid residue is found in multiple mammalian species, which suggests that this missense change does not adversely affect protein function. In summary, the available evidence is currently insufficient to determine the role of this variant in disease. Therefore, it has been classified as a Variant of Uncertain Significance.

Illumina Laboratory Services, Illumina
Classification: Uncertain significance for Unverricht-Lundborg syndrome. Last evaluated: 2018-01-12. Review status: criteria provided, single submitter. Criteria: ICSL Variant Classification Criteria 13 December 2019. Collection method: clinical testing. Allele origin: germline.

GeneDx
Classification: Likely benign. Last evaluated: 2015-05-15. Review status: criteria provided, single submitter. Criteria: GeneDx Variant Classification (06012015). Collection method: clinical testing. Allele origin: germline. Affected: yes.
Comment: This variant is considered likely benign or benign based on one or more of the following criteria: it is a conservative change, it occurs at a poorly conserved position in the protein, it is predicted to be benign by multiple in silico algorithms, and/or has population frequency not consistent with disease.